The following is an entry in ClinVar:

ClinVar aggregate classification (germline): Uncertain significance. Review status: criteria provided, multiple submitters, no conflicts (2 of 4 stars). 5 submissions from 5 submitters: Uncertain significance (5). Last evaluated 2024-12-07.

Conditions:
Trigonocephaly 2 (TRIGNO2). Identifiers: Orphanet 3366, MedGen C3280974, MONDO:0013774, OMIM 614485.
BNAR syndrome. Also called: Bifid Nose With or Without Anorectal and Renal Anomalies (BNAR) Syndrome. Identifiers: Orphanet 217266, MedGen C2750433, MONDO:0012165, OMIM 608980.
Oculotrichoanal syndrome (MOTA). Also called: MARLES SYNDROME; Manitoba Oculotrichoanal (MOTA) Syndrome. Identifiers: Orphanet 2717, MedGen C1855425, MONDO:0009560, OMIM 248450.
Inborn genetic diseases. Identifiers: MedGen C0950123, MeSH D030342.

Allele frequency attached by ClinVar (database versions not stated): TOPMed 0.00014; ESP Exome Variant Server 0.00017; gnomAD 0.00017 and 0.00019; gnomAD exomes 0.00019 and 0.00047; ExAC 0.00064.
gnomAD v4.1: 333 of 1,613,588 alleles (0.021%); highest among the groups gnomAD compares: Middle Eastern, 0.016%; no homozygotes.

Submissions (5):

Labcorp Genetics (formerly Invitae), Labcorp
Classification: Uncertain significance. Last evaluated: 2024-12-07. Review status: criteria provided, single submitter. Criteria: Invitae Variant Classification Sherloc (09022015). Collection method: clinical testing. Allele origin: germline.
Comment: This sequence change replaces alanine, which is neutral and non-polar, with threonine, which is neutral and polar, at codon 184 of the FREM1 protein (p.Ala184Thr). This variant is present in population databases (rs199682518, gnomAD 0.2%), and has an allele count higher than expected for a pathogenic variant. This variant has not been reported in the literature in individuals affected with FREM1-related conditions. ClinVar contains an entry for this variant (Variation ID: 366169). Invitae Evidence Modeling of protein sequence and biophysical properties (such as structural, functional, and spatial information, amino acid conservation, physicochemical variation, residue mobility, and thermodynamic stability) indicates that this missense variant is not expected to disrupt FREM1 protein function with a negative predictive value of 80%. In summary, the available evidence is currently insufficient to determine the role of this variant in disease. Therefore, it has been classified as a Variant of Uncertain Significance.

Fulgent Genetics
Classification: Uncertain significance for Oculotrichoanal syndrome; BNAR syndrome; Trigonocephaly 2. Last evaluated: 2022-05-27. Review status: criteria provided, single submitter. Criteria: ACMG Guidelines, 2015. Collection method: clinical testing. Allele origin: unknown.

Ambry Genetics
Classification: Uncertain significance for Inborn genetic diseases. Last evaluated: 2021-08-10. Review status: criteria provided, single submitter. Criteria: Ambry Variant Classification Scheme 2023. Collection method: clinical testing. Allele origin: germline.

CeGaT Center for Human Genetics Tuebingen
Classification: Uncertain significance. Last evaluated: 2018-08-01. Review status: criteria provided, single submitter. Criteria: CeGaT Center For Human Genetics Tuebingen Variant Classification Criteria Version 2. Collection method: clinical testing. Allele origin: germline. Affected: yes. Observed: 1 variant allele.

Illumina Laboratory Services, Illumina
Classification: Uncertain significance for Oculotrichoanal syndrome. Last evaluated: 2018-01-13. Review status: criteria provided, single submitter. Criteria: ICSL Variant Classification Criteria 13 December 2019. Collection method: clinical testing. Allele origin: germline.

NM_001379081.2(FREM1):c.550G>A (p.Ala184Thr)

Gene: FREM1 (FRAS1 related extracellular matrix 1; minus strand). Cytogenetic location: 9p22.3.
Variant type: single nucleotide variant.
Coding change: c.550G>A on transcript NM_001379081.2 (MANE Select); coding-DNA position 550, G replaced by A.
Protein change: p.Ala184Thr; replaces alanine 184 with threonine.
Molecular consequence: missense variant. On other transcripts: non-coding transcript variant (4).
Genome position (GRCh38, 1-based): chr9:14,859,264, C>T on the plus strand (G>A on the coding strand, the complement: FREM1 is on the minus strand). VCF-style: chr9-14859264-C-T. GRCh37 (hg19) VCF-style: chr9-14859262-C-T.
Other names: c.550G>A, p.Ala184Thr (NM_001370060.1, NM_001370063.1, NM_001370065.1 and 1 more transcripts); short protein forms A184T.
Identifiers: ClinVar variation 366169 (VCV000366169.51), dbSNP rs199682518, ClinGen allele CA4991538.